The following is an entry in ClinVar:

NM_001080442.3(SLC38A8):c.1163-2A>T

Gene: SLC38A8 (solute carrier family 38 member 8; minus strand). Cytogenetic location: 16q23.3.
Variant type: single nucleotide variant.
Coding change: c.1163-2A>T on transcript NM_001080442.3 (MANE Select); the canonical splice acceptor site of the intron before coding-DNA position 1163, A replaced by T.
Molecular consequence: splice acceptor variant.
Genome position (GRCh38, 1-based): chr16:84,013,054, T>A on the plus strand (A>T on the coding strand, the complement: SLC38A8 is on the minus strand). VCF-style: chr16-84013054-T-A. GRCh37 (hg19) VCF-style: chr16-84046659-T-A.
Identifiers: ClinVar variation 2795168 (VCV002795168.3), dbSNP rs903298698, ClinGen allele CA396930319.
Genomic context (GRCh38, chr16:84,013,054, plus strand): 5'-CACTTACTTGACTCTTGGTCCTATAGGCTCGACACCCATTGCACAGATGAGGCACAAACC[T>A]GCAAAAAAGACAGGGTCACCCACAGTTCTTCGTTATCAAACCCAAAGCAACAAAAAGGTC-3'

ClinVar aggregate classification (germline): Likely pathogenic (1 of 4 stars; one submission).

gnomAD v4.1: 2 of 1,613,298 alleles (0.00012%); highest among the groups gnomAD compares: Non-Finnish European, 0.00017%; no homozygotes.

Submission:

Labcorp Genetics (formerly Invitae), Labcorp
Classification: Likely pathogenic. Last evaluated: 2023-06-23. Review status: criteria provided, single submitter. Criteria: Invitae Variant Classification Sherloc (09022015). Collection method: clinical testing. Allele origin: germline.
Comment: In summary, the currently available evidence indicates that the variant is pathogenic, but additional data are needed to prove that conclusively. Therefore, this variant has been classified as Likely Pathogenic. Algorithms developed to predict the effect of sequence changes on RNA splicing suggest that this variant may disrupt the consensus splice site. This variant has not been reported in the literature in individuals affected with SLC38A8-related conditions. This variant is present in population databases (no rsID available, gnomAD 0.0009%). This sequence change affects an acceptor splice site in intron 8 of the SLC38A8 gene. It is expected to disrupt RNA splicing. Variants that disrupt the donor or acceptor splice site typically lead to a loss of protein function (PMID: 16199547), and loss-of-function variants in SLC38A8 are known to be pathogenic (PMID: 24290379).

Literature cited by the submitters: PubMed 16199547; PubMed 24290379.